The following is an entry in ClinVar:

ClinVar aggregate classification (germline): Uncertain significance (1 of 4 stars; one submission).

Allele frequency attached by ClinVar (database versions not stated): gnomAD exomes below 0.00001; gnomAD 0.00001.
gnomAD v4.1: 3 of 1,612,892 alleles (0.00019%); highest among the groups gnomAD compares: African/African-American, 0.0013%; no homozygotes.

Submission:

Labcorp Genetics (formerly Invitae), Labcorp
Classification: Uncertain significance. Last evaluated: 2022-01-13. Review status: criteria provided, single submitter. Criteria: Invitae Variant Classification Sherloc (09022015). Collection method: clinical testing. Allele origin: germline.
Comment: In summary, the available evidence is currently insufficient to determine the role of this variant in disease. Therefore, it has been classified as a Variant of Uncertain Significance. Variants that disrupt the consensus splice site are a relatively common cause of aberrant splicing (PMID: 17576681, 9536098). Algorithms developed to predict the effect of sequence changes on RNA splicing suggest that this variant may disrupt the consensus splice site. This variant has not been reported in the literature in individuals affected with RECQL-related conditions. This variant is not present in population databases (gnomAD no frequency). This sequence change falls in intron 9 of the RECQL gene. It does not directly change the encoded amino acid sequence of the RECQL protein. It affects a nucleotide within the consensus splice site.

Literature cited by the submitters: PubMed 17576681; PubMed 9536098.

NM_002907.4(RECQL):c.1098+5G>T

Gene: RECQL (RecQ like helicase; minus strand). Cytogenetic location: 12p12.1.
Variant type: single nucleotide variant.
Coding change: c.1098+5G>T on transcript NM_002907.4 (MANE Select); 5 bases into the intron after coding-DNA position 1098, G replaced by T.
Molecular consequence: intron variant.
Genome position (GRCh38, 1-based): chr12:21,475,671, C>A on the plus strand (G>T on the coding strand, the complement: RECQL is on the minus strand). VCF-style: chr12-21475671-C-A. GRCh37 (hg19) VCF-style: chr12-21628605-C-A.
Other names: c.1098+5G>T (NM_032941.3).
Identifiers: ClinVar variation 1394352 (VCV001394352.6), dbSNP rs1943072089, ClinGen allele CA945488077.